The following is an entry in ClinVar:

NM_001366722.1(GRIP1):c.1838+13G>T

Gene: GRIP1 (glutamate receptor interacting protein 1; minus strand). Cytogenetic location: 12q14.3.
Variant type: single nucleotide variant.
Coding change: c.1838+13G>T on transcript NM_001366722.1 (MANE Select); 13 bases into the intron after coding-DNA position 1838, G replaced by T.
Molecular consequence: intron variant.
Genome position (GRCh38, 1-based): chr12:66,420,707, C>A on the plus strand (G>T on the coding strand, the complement: GRIP1 is on the minus strand). VCF-style: chr12-66420707-C-A. GRCh37 (hg19) VCF-style: chr12-66814487-C-A.
Other names: c.1757+13G>T (NM_001366723.1); c.1760+13G>T (NM_001366724.1); c.1682+13G>T (NM_001178074.2, NM_021150.4).
Identifiers: ClinVar variation 261409 (VCV000261409.23), dbSNP rs7397862, ClinGen allele CA6674274.

ClinVar aggregate classification (germline): Benign. Review status: criteria provided, multiple submitters, no conflicts (2 of 4 stars). 8 submissions from 8 submitters: Benign (7). 1 of the submissions does not count toward it. Last evaluated 2026-02-04.

Conditions:
Fraser syndrome 3. Identifiers: MedGen C4540040, MONDO:0054739, OMIM 617667.
Fraser syndrome 1 (FRASRS1). Also called: CRYPTOPHTHALMOS WITH OTHER MALFORMATIONS. Identifiers: Orphanet 2052, MedGen C4551480, MONDO:0054737, OMIM 219000.

Allele frequency attached by ClinVar (database versions not stated): 1000 Genomes Project 30x 0.41786; 1000 Genomes Project 0.42232; TOPMed 0.47949; gnomAD 0.49975 and 0.50125; ESP Exome Variant Server 0.52142; ExAC 0.56156; gnomAD exomes 0.56484 and 0.59721.
gnomAD v4.1: 837,882 of 1,429,348 alleles (59%); highest among the groups gnomAD compares: Non-Finnish European, 62%; 253,695 homozygotes.

Submissions (9):

Labcorp Genetics (formerly Invitae), Labcorp
Classification: Benign. Last evaluated: 2026-02-04. Review status: criteria provided, single submitter. Criteria: Invitae Variant Classification Sherloc (09022015). Collection method: clinical testing. Allele origin: germline.

Blueprint Genetics
Classification: Benign. Last evaluated: 2024-11-27. Review status: criteria provided, single submitter. Criteria: ACMG Guidelines, 2015. Collection method: clinical testing. Allele origin: germline.

Genome-Nilou Lab
Classification: Benign for Fraser syndrome 3. Last evaluated: 2021-08-10. Review status: criteria provided, single submitter. Criteria: ACMG Guidelines, 2015. Collection method: clinical testing. Allele origin: germline. Affected: no.

Illumina Laboratory Services, Illumina
Classification: Benign for Fraser syndrome 3. Last evaluated: 2018-01-12. Review status: criteria provided, single submitter. Criteria: ICSL Variant Classification Criteria 13 December 2019. Collection method: clinical testing. Allele origin: germline.
Comment: This variant was observed in the ICSL laboratory as part of a predisposition screen in an ostensibly healthy population. It had not been previously curated by ICSL or reported in the Human Gene Mutation Database (HGMD: prior to June 1st, 2018), and was therefore a candidate for classification through an automated scoring system. Utilizing variant allele frequency, disease prevalence and penetrance estimates, and inheritance mode, an automated score was calculated to assess if this variant is too frequent to cause the disease. Based on the score and internal cut-off values, a variant classified as benign is not then subjected to further curation. The score for this variant resulted in a classification of benign for this disease.

Genome Diagnostics Laboratory, University Medical Center Utrecht
Classification: Benign for Fraser syndrome 1. Last evaluated: 2014-10-09. Review status: criteria provided, single submitter. Criteria: ACGS Guidelines, 2013. Collection method: clinical testing. Allele origin: germline. Affected: yes. Study: VKGL Data-share Consensus.

Breakthrough Genomics
Classification: Benign. Review status: criteria provided, single submitter. Criteria: ACMG Guidelines, 2015. Collection method: not provided. Allele origin: germline. Inheritance: Autosomal recessive inheritance. Affected: yes.

PreventionGenetics, part of Exact Sciences
Classification: Benign. Review status: criteria provided, single submitter. Criteria: ACMG Guidelines, 2015. Collection method: clinical testing. Allele origin: germline.

Diagnostic Laboratory, Department of Genetics, University Medical Center Groningen
Classification: Benign for Fraser syndrome 1. Review status: no assertion criteria provided. Collection method: clinical testing. Allele origin: germline. Affected: yes. Study: VKGL Data-share Consensus. Not counted in ClinVar's aggregate classification.

Dr. Peter K. Rogan Lab, Western University
No classification provided (evidence only). Condition: Hepatocellular carcinoma. Review status: no classification provided. Collection method: in vitro. Allele origin: not applicable. Functional consequence: retained intron. Not counted in ClinVar's aggregate classification.